The following is an entry in ClinVar:

NM_005631.5(SMO):c.1900C>T (p.Pro634Ser)

Gene: SMO (smoothened, frizzled class receptor; plus strand). Cytogenetic location: 7q32.1.
Variant type: single nucleotide variant.
Coding change: c.1900C>T on transcript NM_005631.5 (MANE Select); coding-DNA position 1900, C replaced by T.
Protein change: p.Pro634Ser; replaces proline 634 with serine.
Molecular consequence: missense variant.
Genome position (GRCh38, 1-based): chr7:129,211,734, C>T. VCF-style: chr7-129211734-C-T. GRCh37 (hg19) VCF-style: chr7-128851575-C-T.
Other names: short protein forms P634S.
Identifiers: ClinVar variation 3253196 (VCV003253196.1), dbSNP rs765350977.

ClinVar aggregate classification (germline): Uncertain significance (1 of 4 stars; one submission).

Allele frequency attached by ClinVar (database versions not stated): ExAC 0.00001; gnomAD exomes 0.00001.
gnomAD v4.1: 12 of 1,614,042 alleles (0.00074%); highest among the groups gnomAD compares: Non-Finnish European, 0.001%; no homozygotes.

Submission:

GeneDx
Classification: Uncertain significance. Last evaluated: 2023-06-08. Review status: criteria provided, single submitter. Criteria: GeneDx Variant Classification Process June 2021. Collection method: clinical testing. Allele origin: germline. Affected: yes.
Comment: In silico analysis supports that this missense variant does not alter protein structure/function; Has not been previously published as pathogenic or benign to our knowledge